The following is an entry in ClinVar:

NM_001242896.3(DEPDC5):c.4228_4245del (p.Thr1410_Leu1415del)

Gene: DEPDC5 (DEP domain containing 5, GATOR1 subcomplex subunit; plus strand). Cytogenetic location: 22q12.3.
Variant type: Deletion.
Coding change: c.4228_4245del on transcript NM_001242896.3 (MANE Select); coding-DNA positions 4228 to 4245, 18 bases deleted (ACCTCCTGTGGCTTCTTG).
Protein change: p.Thr1410_Leu1415del.
Molecular consequence: inframe deletion. On other transcripts: non-coding transcript variant (5).
Genome position (GRCh38, 1-based): chr22:31,897,506-31,897,523, ACCTCCTGTGGCTTCTTG deleted. VCF-style (leftmost placement, unchanged base first): chr22-31897505-CACCTCCTGTGGCTTCTTG-C. GRCh37 (hg19) VCF-style: chr22-32293491-CACCTCCTGTGGCTTCTTG-C.
Other names: c.4201_4218del, p.Thr1401_Leu1406del (NM_001136029.4); c.3928_3945del, p.Thr1310_Leu1315del (NM_001242897.2); c.4162_4179del, p.Thr1388_Leu1393del (NM_001363852.2, NM_001364320.2); c.3994_4011del, p.Thr1332_Leu1337del (NM_001363854.2, NM_001364319.2); c.4228_4245del, p.Thr1410_Leu1415del (NM_001364318.2); c.4144_4161del, p.Thr1382_Leu1387del (NM_001369901.1, NM_001369902.1); c.4135_4152del, p.Thr1379_Leu1384del (NM_001369903.1, NM_014662.6).
Identifiers: ClinVar variation 2742885 (VCV002742885.3), dbSNP rs2523314779, ClinGen allele CA2697552714.

ClinVar aggregate classification (germline): Uncertain significance (1 of 4 stars; one submission).

Conditions:
Familial focal epilepsy with variable foci (FPEVF). Identifiers: Orphanet 98820, MedGen C1858477, MONDO:0020310.

Submission:

Labcorp Genetics (formerly Invitae), Labcorp
Classification: Uncertain significance for Familial focal epilepsy with variable foci. Last evaluated: 2023-11-13. Review status: criteria provided, single submitter. Criteria: Invitae Variant Classification Sherloc (09022015). Collection method: clinical testing. Allele origin: germline.
Comment: This variant, c.4228_4245del, results in the deletion of 6 amino acid(s) of the DEPDC5 protein (p.Thr1410_Leu1415del), but otherwise preserves the integrity of the reading frame. This variant is not present in population databases (gnomAD no frequency). This variant has not been reported in the literature in individuals affected with DEPDC5-related conditions. Experimental studies and prediction algorithms are not available or were not evaluated, and the functional significance of this variant is currently unknown. In summary, the available evidence is currently insufficient to determine the role of this variant in disease. Therefore, it has been classified as a Variant of Uncertain Significance.